The following is an entry in ClinVar:

ClinVar aggregate classification (germline): Likely pathogenic. Review status: criteria provided, multiple submitters, no conflicts (2 of 4 stars). 3 submissions from 3 submitters: Likely pathogenic (3). Last evaluated 2025-09-30.

Conditions:
Deficiency of steroid 17-alpha-monooxygenase. Also called: 17-ALPHA-HYDROXYLASE DEFICIENCY; Congenital adrenal hyperplasia due to 17-alpha-hydroxylase deficiency; Congenital adrenal hyperplasia type 5; 17-alpha-hydroxylase/17,20-lyase deficiency; ADRENAL HYPERPLASIA V. Identifiers: Orphanet 90793, MedGen C0268285, MONDO:0008730, OMIM 202110.

Allele frequency attached by ClinVar (database versions not stated): TOPMed below 0.00001; ExAC 0.00001; gnomAD exomes 0.00001; gnomAD 0.00005.
gnomAD v4.1: 18 of 1,328,964 alleles (0.0014%); highest among the groups gnomAD compares: East Asian, 0.0023%; no homozygotes.

Submissions (3):

Natera, Inc.
Classification: Likely pathogenic for Deficiency of steroid 17-alpha-monooxygenase. Last evaluated: 2025-09-30. Review status: criteria provided, single submitter. Criteria: Natera Variant Classification Schema (03/2026). Collection method: clinical testing. Allele origin: germline.
Comment: The c.716G>A variant in CYP17A1 is a missense variant predicted to cause substitution of arginine to glutamine at amino acid 239. This variant is rare in the general population with a frequency below the threshold expected for the associated phenotype(s). This variant has been observed in one or more individuals affected with the associated recessive disease, as either homozygous or compound heterozygous with a second variant (PMID: 18996963, 28870780, 23036723). Functional studies show that this variant may disrupt protein function (PMID: 18996963, 23036723). Computational prediction algorithms indicate this variant is likely to affect gene or protein function. Given the available evidence, this variant is classified as Likely Pathogenic.

Baylor Genetics
Classification: Likely pathogenic for Deficiency of steroid 17-alpha-monooxygenase. Last evaluated: 2023-10-26. Review status: criteria provided, single submitter. Criteria: ACMG Guidelines, 2015. Collection method: clinical testing. Allele origin: unknown.

Revvity Omics, Revvity
Classification: Likely pathogenic for Deficiency of steroid 17-alpha-monooxygenase. Last evaluated: 2022-03-31. Review status: criteria provided, single submitter. Criteria: ACMG Guidelines, 2015. Collection method: clinical testing. Allele origin: germline.

Literature cited by the submitters: PubMed 18996963 (cited by Natera, Inc.); PubMed 28870780 (cited by Natera, Inc.); PubMed 23036723 (cited by Natera, Inc.).

NM_000102.4(CYP17A1):c.716G>A (p.Arg239Gln)

Genes: CYP17A1-AS1 (CYP17A1 antisense RNA 1; plus strand), CYP17A1 (cytochrome P450 family 17 subfamily A member 1; minus strand). Cytogenetic location: 10q24.32.
Variant type: single nucleotide variant.
Coding change: c.716G>A on transcript NM_000102.4 (MANE Select); coding-DNA position 716, G replaced by A.
Protein change: p.Arg239Gln; replaces arginine 239 with glutamine.
Molecular consequence: missense variant.
Genome position (GRCh38, 1-based): chr10:102,834,073, C>T on the plus strand (G>A on the coding strand, the complement: CYP17A1 is on the minus strand). VCF-style: chr10-102834073-C-T. GRCh37 (hg19) VCF-style: chr10-104593830-C-T.
Other names: c.716G>A (NM_000102.3); short protein forms R239Q.
Identifiers: ClinVar variation 2439628 (VCV002439628.5), dbSNP rs773278607, ClinGen allele CA5669490.